The following is an entry in ClinVar:

ClinVar aggregate classification (germline): Uncertain significance (1 of 4 stars; one submission).

Conditions:
Autosomal recessive limb-girdle muscular dystrophy type 2D (LGMDR3). Also called: ADHALINOPATHY, PRIMARY; MUSCULAR DYSTROPHY, LIMB-GIRDLE, AUTOSOMAL RECESSIVE 3; DUCHENNE-LIKE AUTOSOMAL RECESSIVE MUSCULAR DYSTROPHY, TYPE 2. Identifiers: Orphanet 62, MedGen C2936332, MONDO:0011968, OMIM 608099. Disease mechanism: Affects gamma-sarcoglycan and also disrupts the integrity of the entire sarcoglycan complex..

Allele frequency attached by ClinVar (database versions not stated): gnomAD exomes below 0.00001.
gnomAD v4.1: 2 of 1,614,114 alleles (0.00012%); highest among the groups gnomAD compares: Non-Finnish European, 0.00017%; no homozygotes.

Submission:

Labcorp Genetics (formerly Invitae), Labcorp
Classification: Uncertain significance for Autosomal recessive limb-girdle muscular dystrophy type 2D. Last evaluated: 2025-02-28. Review status: criteria provided, single submitter. Criteria: Invitae Variant Classification Sherloc (09022015). Collection method: clinical testing. Allele origin: germline.
Comment: This sequence change falls in intron 3 of the SGCA gene. It does not directly change the encoded amino acid sequence of the SGCA protein. It affects a nucleotide within the consensus splice site. This variant is not present in population databases (gnomAD no frequency). This variant has not been reported in the literature in individuals affected with SGCA-related conditions. ClinVar contains an entry for this variant (Variation ID: 836323). Variants that disrupt the consensus splice site are a relatively common cause of aberrant splicing (PMID: 17576681, 9536098). Algorithms developed to predict the effect of sequence changes on RNA splicing suggest that this variant is not likely to affect RNA splicing. In summary, the available evidence is currently insufficient to determine the role of this variant in disease. Therefore, it has been classified as a Variant of Uncertain Significance.

Literature cited by the submitters: PubMed 17576681; PubMed 9536098.

NM_000023.4(SGCA):c.313-3C>T

Gene: SGCA (sarcoglycan alpha; plus strand). Cytogenetic location: 17q21.33.
Variant type: single nucleotide variant.
Coding change: c.313-3C>T on transcript NM_000023.4 (MANE Select); 3 bases into the intron before coding-DNA position 313, C replaced by T.
Molecular consequence: intron variant.
Genome position (GRCh38, 1-based): chr17:50,167,944, C>T. VCF-style: chr17-50167944-C-T. GRCh37 (hg19) VCF-style: chr17-48245305-C-T.
Other names: c.313-3C>T (NM_001135697.3).
Identifiers: ClinVar variation 836323 (VCV000836323.6), dbSNP rs1905060607, ClinGen allele CA916080881.